The following is an entry in ClinVar:

ClinVar aggregate classification (germline): Uncertain significance. Review status: criteria provided, multiple submitters, no conflicts (2 of 4 stars). 7 submissions from 5 submitters: Uncertain significance (7). Last evaluated 2025-07-27.

Conditions:
Dilated cardiomyopathy 1D. Identifiers: Orphanet 154, Orphanet 54260, MedGen C1832243, MONDO:0011095, OMIM 601494.
Hypertrophic cardiomyopathy 2. Also called: TNNT2-Related Familial Hypertrophic Cardiomyopathy. Identifiers: MedGen C1861864, MONDO:0007266, OMIM 115195.
Cardiovascular phenotype. Identifiers: MedGen CN230736.
Cardiomyopathy (CMYO). Also called: Cardiomyopathies. Identifiers: Orphanet 167848, MedGen C0878544, MONDO:0004994, HP:0001638. Inheritance: Various modes of inheritance.
Cardiomyopathy, familial restrictive, 3. Identifiers: Orphanet 75249, MedGen C2676271, MONDO:0012900, OMIM 612422.

Allele frequency attached by ClinVar (database versions not stated): gnomAD exomes below 0.00001; gnomAD 0.00001; TOPMed 0.00002.
gnomAD v4.1: 8 of 1,614,130 alleles (0.0005%); highest among the groups gnomAD compares: African/African-American, 0.004%; no homozygotes.

Submissions (7):

Labcorp Genetics (formerly Invitae), Labcorp
Classification: Uncertain significance for Cardiomyopathy, familial restrictive, 3; Hypertrophic cardiomyopathy 2; Dilated cardiomyopathy 1D. Last evaluated: 2025-07-27. Review status: criteria provided, single submitter. Criteria: Invitae Variant Classification Sherloc (09022015). Collection method: clinical testing. Allele origin: germline.
Comment: This sequence change replaces arginine, which is basic and polar, with lysine, which is basic and polar, at codon 216 of the TNNT2 protein (p.Arg216Lys). This variant is present in population databases (no rsID available, gnomAD 0.01%). This missense change has been observed in individual(s) with sudden unexplained death (PMID: 29247119). ClinVar contains an entry for this variant (Variation ID: 518816). Invitae Evidence Modeling of protein sequence and biophysical properties (such as structural, functional, and spatial information, amino acid conservation, physicochemical variation, residue mobility, and thermodynamic stability) indicates that this missense variant is not expected to disrupt TNNT2 protein function with a negative predictive value of 80%. In summary, the available evidence is currently insufficient to determine the role of this variant in disease. Therefore, it has been classified as a Variant of Uncertain Significance.

Color Diagnostics, LLC DBA Color Health
Classification: Uncertain significance for Cardiomyopathy. Last evaluated: 2025-06-24. Review status: criteria provided, single submitter. Criteria: ACMG Guidelines, 2015. Collection method: clinical testing. Allele origin: germline.
Comment: This missense variant replaces arginine with lysine at codon 216 of the TNNT2 protein. Computational prediction is inconclusive regarding the impact of this variant on protein structure and function. To our knowledge, functional studies have not been reported for this variant. This variant has been reported in an individual affected with sudden unexplained death (PMID: 29247119). This variant has been identified in 1/31404 chromosomes in the general population by the Genome Aggregation Database (gnomAD). The available evidence is insufficient to determine the role of this variant in disease conclusively. Therefore, this variant is classified as a Variant of Uncertain Significance.

Ambry Genetics
Classification: Uncertain significance for Cardiovascular phenotype. Last evaluated: 2025-04-30. Review status: criteria provided, single submitter. Criteria: Ambry Variant Classification Scheme 2023. Collection method: clinical testing. Allele origin: germline.
Comment: The p.R216K variant (also known as c.647G>A), located in coding exon 12 of the TNNT2 gene, results from a G to A substitution at nucleotide position 647. The arginine at codon 216 is replaced by lysine, an amino acid with highly similar properties. This amino acid position is highly conserved in available vertebrate species. In addition, the in silico prediction for this alteration is inconclusive. Based on the available evidence, the clinical significance of this variant remains unclear.

Fulgent Genetics
Classification: Uncertain significance for Hypertrophic cardiomyopathy 2; Dilated cardiomyopathy 1D; Cardiomyopathy, familial restrictive, 3. Last evaluated: 2023-12-29. Review status: criteria provided, single submitter. Criteria: ACMG Guidelines, 2015. Collection method: clinical testing. Allele origin: germline.

Genome-Nilou Lab
Classification: Uncertain significance for Dilated cardiomyopathy 1D. Last evaluated: 2023-04-11. Review status: criteria provided, single submitter. Criteria: ACMG Guidelines, 2015. Collection method: clinical testing. Allele origin: germline. Affected: no.

Genome-Nilou Lab
Classification: Uncertain significance for Cardiomyopathy, familial restrictive, 3. Last evaluated: 2023-04-11. Review status: criteria provided, single submitter. Criteria: ACMG Guidelines, 2015. Collection method: clinical testing. Allele origin: germline. Affected: no.

Genome-Nilou Lab
Classification: Uncertain significance for Hypertrophic cardiomyopathy 2. Last evaluated: 2023-04-11. Review status: criteria provided, single submitter. Criteria: ACMG Guidelines, 2015. Collection method: clinical testing. Allele origin: germline. Affected: no.

Literature cited by the submitters: PubMed 29247119 (cited by 3 submitters).

NM_001276345.2(TNNT2):c.677G>A (p.Arg226Lys)

Gene: TNNT2 (troponin T2, cardiac type; minus strand). Cytogenetic location: 1q32.1.
Variant type: single nucleotide variant.
Coding change: c.677G>A on transcript NM_001276345.2 (MANE Select); coding-DNA position 677, G replaced by A.
Protein change: p.Arg226Lys; replaces arginine 226 with lysine.
Molecular consequence: missense variant.
Genome position (GRCh38, 1-based): chr1:201,361,955, C>T on the plus strand (G>A on the coding strand, the complement: TNNT2 is on the minus strand). VCF-style: chr1-201361955-C-T. GRCh37 (hg19) VCF-style: chr1-201331083-C-T.
Other names: c.668G>A, p.Arg223Lys (NM_000364.4); c.647G>A, p.Arg216Lys (NM_001001430.3, NM_001276347.2); c.638G>A, p.Arg213Lys (NM_001001431.3); c.629G>A, p.Arg210Lys (NM_001001432.3); c.548G>A, p.Arg183Lys (NM_001276346.2); short protein forms R216K, R223K, R226K, R183K, R213K, R210K.
Identifiers: ClinVar variation 518816 (VCV000518816.20), dbSNP rs1205564576, ClinGen allele CA344203673.
Genomic context (GRCh38, chr1:201,361,955, plus strand): 5'-ATTCCTCCCAGCCCCCACCTCAGCTGATCTTCATTCAGGTGGTCAATGGCCAGCACCTTC[C>T]TCCTCTCAGCCAGAATCTTCTTCTTCTTTTCCCGCTCAGTCTGCCTCTTCCCACTTTTCC-3'
Protein context (NP_001263274.1, residues 216-236): EKKKKILAER[Arg226Lys]KVLAIDHLNE